The following is an entry in ClinVar:

ClinVar aggregate classification (germline): Uncertain significance. Review status: criteria provided, multiple submitters, no conflicts (2 of 4 stars). 2 submissions from 2 submitters: Uncertain significance (2). Last evaluated 2025-09-04.

Conditions:
Inborn genetic diseases. Identifiers: MedGen C0950123, MeSH D030342.
INPP5E-related disorder. Also called: INPP5E-related condition.

Submissions (2):

Ambry Genetics
Classification: Uncertain significance for Inborn genetic diseases. Last evaluated: 2025-09-04. Review status: criteria provided, single submitter. Criteria: Ambry Variant Classification Scheme 2023. Collection method: clinical testing. Allele origin: germline.

PreventionGenetics, part of Exact Sciences
Classification: Uncertain significance for INPP5E-related condition. Last evaluated: 2024-12-13. Review status: criteria provided, single submitter. Criteria: ACMG Guidelines, 2015. Collection method: clinical testing. Allele origin: germline.
Comment: The INPP5E c.593G>A variant is predicted to result in the amino acid substitution p.Ser198Asn. To our knowledge, this variant has not been reported in the literature. This variant is reported in 0.0% of alleles in individuals of African descent in gnomAD. At this time, the clinical significance of this variant is uncertain due to the absence of conclusive functional and genetic evidence.

NM_019892.6(INPP5E):c.593G>A (p.Ser198Asn)

Gene: INPP5E (inositol polyphosphate-5-phosphatase E; minus strand). Cytogenetic location: 9q34.3.
Variant type: single nucleotide variant.
Coding change: c.593G>A on transcript NM_019892.6 (MANE Select); coding-DNA position 593, G replaced by A.
Protein change: p.Ser198Asn; replaces serine 198 with asparagine.
Molecular consequence: missense variant.
Genome position (GRCh38, 1-based): chr9:136,438,827, C>T on the plus strand (G>A on the coding strand, the complement: INPP5E is on the minus strand). VCF-style: chr9-136438827-C-T. GRCh37 (hg19) VCF-style: chr9-139333279-C-T.
Other names: c.593G>A (NM_019892.5); c.593G>A, p.Ser198Asn (NM_001318502.2); short protein forms S198N.
Identifiers: ClinVar variation 4275605 (VCV004275605.2).